The following is an entry in ClinVar:

ClinVar aggregate classification (germline): Conflicting classifications of pathogenicity. Review status: criteria provided, conflicting classifications (1 of 4 stars). 3 submissions from 3 submitters: Pathogenic (1); Likely pathogenic (1); Uncertain significance (1). Last evaluated 2024-05-06.

Conditions:
Neurofibromatosis, type 1 (NF1). Also called: Peripheral type neurofibromatosis; VON RECKLINGHAUSEN DISEASE; NEUROFIBROMATOSIS, TYPE I, SOMATIC; Neurofibromatosis, type I. Identifiers: Orphanet 636, MedGen C0027831, MONDO:0018975, OMIM 162200. Disease mechanism: loss of function.
NF1-related disorder. Also called: NF1-related condition. Identifiers: MedGen CN379171.
Cardiovascular phenotype. Identifiers: MedGen CN230736.
Hereditary cancer-predisposing syndrome. Also called: Hereditary Cancer Syndrome; Hereditary neoplastic syndrome; Neoplastic Syndromes, Hereditary; Tumor predisposition. Identifiers: Orphanet 140162, MedGen C0027672, MeSH D009386, MONDO:0015356.

Submissions (3):

Blueprint Genetics
Classification: Likely pathogenic for NF1-related disorders. Last evaluated: 2024-05-06. Review status: criteria provided, single submitter. Criteria: ACMG Guidelines, 2015. Collection method: clinical testing. Allele origin: germline. Affected: yes. Observed: 1 variant allele.

Ambry Genetics
Classification: Uncertain significance for Cardiovascular phenotype; Hereditary cancer-predisposing syndrome. Last evaluated: 2023-07-27. Review status: criteria provided, single submitter. Criteria: Ambry Variant Classification Scheme 2023. Collection method: clinical testing. Allele origin: germline.
Comment: The p.N1278K variant (also known as c.3834C>A), located in coding exon 28 of the NF1 gene, results from a C to A substitution at nucleotide position 3834. The asparagine at codon 1278 is replaced by lysine, an amino acid with similar properties. A different alteration at this nucleotide position, c.3834C>G (p.Asn1278Lys), has been reported in 1/502 patients with a clinical diagnosis of neurofibromatosis type I, and was classified as a variant of unknown significance by study authors (Bonatti F et al. Int J Mol Sci, 2017 Sep;18:). This amino acid position is highly conserved in available vertebrate species. In addition, the in silico prediction for this alteration is inconclusive. Since supporting evidence is limited at this time, the clinical significance of this alteration remains unclear.

Labcorp Genetics (formerly Invitae), Labcorp
Classification: Pathogenic for Neurofibromatosis, type 1. Last evaluated: 2022-12-12. Review status: criteria provided, single submitter. Criteria: Invitae Variant Classification Sherloc (09022015). Collection method: clinical testing. Allele origin: germline.
Comment: For these reasons, this variant has been classified as Pathogenic. Advanced modeling of protein sequence and biophysical properties (such as structural, functional, and spatial information, amino acid conservation, physicochemical variation, residue mobility, and thermodynamic stability) performed at Invitae indicates that this missense variant is expected to disrupt NF1 protein function. ClinVar contains an entry for this variant (Variation ID: 1735371). A different variant (c.3834C>G ) giving rise to the same protein effect has been determined to be pathogenic (PMID: 12787671, 28961165). This suggests that this variant is also likely to be causative of disease. This variant is not present in population databases (gnomAD no frequency). This sequence change replaces asparagine, which is neutral and polar, with lysine, which is basic and polar, at codon 1278 of the NF1 protein (p.Asn1278Lys).

Literature cited by the submitters: PubMed 12787671 (cited by Labcorp Genetics (formerly Invitae), Labcorp); PubMed 28961165 (cited by Labcorp Genetics (formerly Invitae), Labcorp).

NM_001042492.3(NF1):c.3834C>A (p.Asn1278Lys)

Gene: NF1 (neurofibromin 1; plus strand). Cytogenetic location: 17q11.2.
Variant type: single nucleotide variant.
Coding change: c.3834C>A on transcript NM_001042492.3 (MANE Select); coding-DNA position 3834, C replaced by A.
Protein change: p.Asn1278Lys; replaces asparagine 1278 with lysine.
Molecular consequence: missense variant.
Genome position (GRCh38, 1-based): chr17:31,235,736, C>A. VCF-style: chr17-31235736-C-A. GRCh37 (hg19) VCF-style: chr17-29562754-C-A.
Other names: c.3834C>A, p.Asn1278Lys (NM_000267.4); short protein forms N1278K.
Identifiers: ClinVar variation 1735371 (VCV001735371.8), dbSNP rs1135402850, ClinGen allele CA398992783.